The following is an entry in ClinVar:

ClinVar aggregate classification (germline): Conflicting classifications of pathogenicity. Review status: criteria provided, conflicting classifications (1 of 4 stars). 2 submissions from 2 submitters: Uncertain significance (1); Likely benign (1). Last evaluated 2026-02-01.

Allele frequency attached by ClinVar (database versions not stated): ExAC 0.00001; gnomAD 0.00001 and 0.00002; gnomAD exomes 0.00001 and 0.00002; TOPMed 0.00003.
gnomAD v4.1: 33 of 1,613,398 alleles (0.002%); highest among the groups gnomAD compares: Middle Eastern, 0.049%; 1 homozygote.

Submissions (2):

CeGaT Center for Human Genetics Tuebingen
Classification: Likely benign. Last evaluated: 2026-02-01. Review status: criteria provided, single submitter. Criteria: CeGaT Center For Human Genetics Tuebingen Variant Classification Criteria Version 2. Collection method: clinical testing. Allele origin: germline. Affected: yes. Observed: 1 variant allele.
Comment: KMT2A: BP4

Labcorp Genetics (formerly Invitae), Labcorp
Classification: Uncertain significance. Last evaluated: 2025-07-06. Review status: criteria provided, single submitter. Criteria: Invitae Variant Classification Sherloc (09022015). Collection method: clinical testing. Allele origin: germline.
Comment: This sequence change replaces glutamic acid, which is acidic and polar, with lysine, which is basic and polar, at codon 243 of the KMT2A protein (p.Glu243Lys). This variant is present in population databases (rs531494566, gnomAD 0.007%). This variant has not been reported in the literature in individuals affected with KMT2A-related conditions. ClinVar contains an entry for this variant (Variation ID: 1464370). Invitae Evidence Modeling of protein sequence and biophysical properties (such as structural, functional, and spatial information, amino acid conservation, physicochemical variation, residue mobility, and thermodynamic stability) indicates that this missense variant is not expected to disrupt KMT2A protein function with a negative predictive value of 95%. In summary, the available evidence is currently insufficient to determine the role of this variant in disease. Therefore, it has been classified as a Variant of Uncertain Significance.

NM_001197104.2(KMT2A):c.727G>A (p.Glu243Lys)

Gene: KMT2A (lysine methyltransferase 2A; plus strand). Cytogenetic location: 11q23.3.
Variant type: single nucleotide variant.
Coding change: c.727G>A on transcript NM_001197104.2 (MANE Select); coding-DNA position 727, G replaced by A.
Protein change: p.Glu243Lys; replaces glutamic acid 243 with lysine.
Molecular consequence: missense variant.
Genome position (GRCh38, 1-based): chr11:118,471,886, G>A. VCF-style: chr11-118471886-G-A. GRCh37 (hg19) VCF-style: chr11-118342601-G-A.
Other names: c.727G>A, p.Glu243Lys (NM_005933.4); short protein forms E243K.
Identifiers: ClinVar variation 1464370 (VCV001464370.12), dbSNP rs531494566, ClinGen allele CA6303332.